The following is an entry in ClinVar:

ClinVar aggregate classification (germline): Uncertain significance (1 of 4 stars; one submission).

Submission:

Labcorp Genetics (formerly Invitae), Labcorp
Classification: Uncertain significance. Last evaluated: 2025-09-30. Review status: criteria provided, single submitter. Criteria: Invitae Variant Classification Sherloc (09022015). Collection method: clinical testing. Allele origin: germline.
Comment: This sequence change replaces threonine, which is neutral and polar, with alanine, which is neutral and non-polar, at codon 1608 of the SON protein (p.Thr1608Ala). This variant is not present in population databases (gnomAD no frequency). This variant has not been reported in the literature in individuals affected with SON-related conditions. An algorithm developed to predict the effect of missense changes on protein structure and function outputs the following: PolyPhen-2: "Possibly Damaging". The alanine amino acid residue is found in multiple mammalian species, which suggests that this missense change does not adversely affect protein function. In summary, the available evidence is currently insufficient to determine the role of this variant in disease. Therefore, it has been classified as a Variant of Uncertain Significance.

NM_138927.4(SON):c.4822A>G (p.Thr1608Ala)

Gene: SON (SON DNA and RNA binding protein; plus strand). Cytogenetic location: 21q22.11.
Variant type: single nucleotide variant.
Coding change: c.4822A>G on transcript NM_138927.4 (MANE Select); coding-DNA position 4822, A replaced by G.
Protein change: p.Thr1608Ala; replaces threonine 1608 with alanine.
Molecular consequence: missense variant. On other transcripts: non-coding transcript variant (1), intron variant (1).
Genome position (GRCh38, 1-based): chr21:33,554,053, A>G. VCF-style: chr21-33554053-A-G. GRCh37 (hg19) VCF-style: chr21-34926359-A-G.
Other names: c.4822A>G, p.Thr1608Ala (NM_001291411.2, NM_032195.3); c.245-3103A>G (NM_001291412.3); short protein forms T1608A.
Identifiers: ClinVar variation 4721934 (VCV004721934.1).